The following is an entry in ClinVar:

ClinVar aggregate classification (germline): Uncertain significance. Review status: criteria provided, single submitter (1 of 4 stars). 2 submissions from 2 submitters: Uncertain significance (1). 1 of the submissions does not count toward it. Last evaluated 2026-04-14.

Conditions:
Familial intrahepatic cholestasis. Identifiers: Orphanet 284385, MedGen CN296401, MONDO:0017290.
Progressive familial intrahepatic cholestasis type 2. Identifiers: Orphanet 79304, MedGen C3489789, MONDO:0011156, OMIM 601847.

Submissions (2):

Genomenon, Inc
Classification: Uncertain significance for Familial intrahepatic cholestasis. Last evaluated: 2026-04-14. Review status: criteria provided, single submitter. Criteria: Genomenon Sequence Variant Interpretation Standards - Updated. Collection method: curation. Allele origin: germline. Affected: yes.
Comment: ABCB11 p.Ala389Pro (c.1165G>C) is a missense variant that changes the amino acid at residue 389 from Alanine to Proline. This variant has been observed in at least one proband with an ABCB11-related disorder (PMID:41165782;25016225). It is absent or not present at a significant frequency in gnomAD. In silico models predict that this variant is possibly or probably damaging. In conclusion, we classify ABCB11 p.Ala389Pro (c.1165G>C) as a variant of uncertain significance.

Department of Pediatric Gastroenterology, Mersin City Hospital
Classification: Uncertain significance for Progressive familial intrahepatic cholestasis type 2. Last evaluated: 2024-10-30. Review status: no assertion criteria provided. Collection method: clinical testing. Allele origin: germline. Inheritance: Autosomal recessive inheritance. Affected: yes. Not counted in ClinVar's aggregate classification.
Comment: The ABCB11 variant c.1165G>C; p.(Ala389Pro) was classified as uncertain significance according to the ACMG guidelines (PP3, PM2) and predicted to be disease causing by in silico analysis such as MetaRNN with a score of 0.949. Additionally, the variant was not found in healthy population databases like gnomAD. This variant in the ABCB11 gene was found to be in trans position as a compound heterozygote with another variant c.1064C>T; p.(Thr355Ile), previously reported in ClinVar to be associated with disease.

Literature cited by the submitters: PubMed 41165782 (cited by Genomenon, Inc); PubMed 25016225 (cited by Genomenon, Inc).

NM_003742.4(ABCB11):c.1165G>C (p.Ala389Pro)

Gene: ABCB11 (ATP binding cassette subfamily B member 11; minus strand). Cytogenetic location: 2q31.1.
Variant type: single nucleotide variant.
Coding change: c.1165G>C on transcript NM_003742.4 (MANE Select); coding-DNA position 1165, G replaced by C.
Protein change: p.Ala389Pro; replaces alanine 389 with proline.
Molecular consequence: missense variant.
Genome position (GRCh38, 1-based): chr2:168,979,898, C>G on the plus strand (G>C on the coding strand, the complement: ABCB11 is on the minus strand). VCF-style: chr2-168979898-C-G. GRCh37 (hg19) VCF-style: chr2-169836408-C-G.
Other names: p.(Ala389Pro); short protein forms A389P.
Identifiers: ClinVar variation 3381180 (VCV003381180.2).
Genomic context (GRCh38, chr2:168,979,898, plus strand): 5'-ATGGCCTTTACTTTTGGCTTATACATACCCTGTCTATTGTCTCAAAAATGCTGGTGGCTG[C>G]TGCACGTCCAGTTGCAAAGGCTTCCAAACAAGGAGAGGCATTGCCAAGATTTAAAGCTCC-3'
Protein context (NP_003733.2, residues 379-399): CLEAFATGRA[Ala389Pro]ATSIFETIDR